The following is an entry in ClinVar:

NM_005334.3(HCFC1):c.504-3C>T

Gene: HCFC1 (host cell factor C1; minus strand). Cytogenetic location: Xq28.
Variant type: single nucleotide variant.
Coding change: c.504-3C>T on transcript NM_005334.3 (MANE Select); 3 bases into the intron before coding-DNA position 504, C replaced by T.
Molecular consequence: intron variant.
Genome position (GRCh38, 1-based): chrX:153,963,436, G>A on the plus strand (C>T on the coding strand, the complement: HCFC1 is on the minus strand). VCF-style: chrX-153963436-G-A. GRCh37 (hg19) VCF-style: chrX-153228887-G-A.
Other names: c.504-3C>T (NM_001410705.1).
Identifiers: ClinVar variation 3717128 (VCV003717128.2).

ClinVar aggregate classification (germline): Uncertain significance (1 of 4 stars; one submission).

Conditions:
Methylmalonic acidemia with homocystinuria, type cblX (MAHCX). Also called: INTELLECTUAL DEVELOPMENTAL DISORDER, X-LINKED 3. Identifiers: Orphanet 369962, MedGen C0796208, MONDO:0010657, OMIM 309541.

gnomAD v4.1: 1 of 1,186,623 alleles (0.000084%); highest among the groups gnomAD compares: Admixed American, 0.0022%; no homozygotes.

Submission:

Labcorp Genetics (formerly Invitae), Labcorp
Classification: Uncertain significance for Methylmalonic acidemia with homocystinuria, type cblX. Last evaluated: 2024-05-06. Review status: criteria provided, single submitter. Criteria: Invitae Variant Classification Sherloc (09022015). Collection method: clinical testing. Allele origin: germline.
Comment: This sequence change falls in intron 3 of the HCFC1 gene. It does not directly change the encoded amino acid sequence of the HCFC1 protein. It affects a nucleotide within the consensus splice site. This variant is not present in population databases (gnomAD no frequency). This variant has not been reported in the literature in individuals affected with HCFC1-related conditions. Variants that disrupt the consensus splice site are a relatively common cause of aberrant splicing (PMID: 17576681, 9536098). Algorithms developed to predict the effect of sequence changes on RNA splicing suggest that this variant is not likely to affect RNA splicing. In summary, the available evidence is currently insufficient to determine the role of this variant in disease. Therefore, it has been classified as a Variant of Uncertain Significance.

Literature cited by the submitters: PubMed 17576681; PubMed 9536098.